The following is an entry in ClinVar:

ClinVar aggregate classification (germline): Uncertain significance (1 of 4 stars; one submission).

Conditions:
Charcot-Marie-Tooth disease axonal type 2O. Also called: Charcot-Marie-Tooth Neuropathy Type 2O; CHARCOT-MARIE-TOOTH NEUROPATHY, AXONAL, TYPE 2O; CHARCOT-MARIE-TOOTH DISEASE, AXONAL, AUTOSOMAL DOMINANT, TYPE 2O; Charcot-Marie-Tooth disease, axonal, type 20. Identifiers: Orphanet 284232, MedGen C3280220, MONDO:0013644, OMIM 614228.

Submission:

Labcorp Genetics (formerly Invitae), Labcorp
Classification: Uncertain significance for Charcot-Marie-Tooth disease axonal type 2O. Last evaluated: 2022-12-06. Review status: criteria provided, single submitter. Criteria: Invitae Variant Classification Sherloc (09022015). Collection method: clinical testing. Allele origin: germline.
Comment: This sequence change creates a premature translational stop signal (p.His2964Leufs*17) in the DYNC1H1 gene. It is expected to result in an absent or disrupted protein product. However, the current clinical and genetic evidence is not sufficient to establish whether loss-of-function variants in DYNC1H1 cause disease. In summary, the available evidence is currently insufficient to determine the role of this variant in disease. Therefore, it has been classified as a Variant of Uncertain Significance. Algorithms developed to predict the effect of sequence changes on RNA splicing suggest that this variant may disrupt the consensus splice site. This variant has not been reported in the literature in individuals affected with DYNC1H1-related conditions. This variant is not present in population databases (gnomAD no frequency).

NM_001376.5(DYNC1H1):c.8891del (p.His2964fs)

Genes: DYNC1H1 (dynein cytoplasmic 1 heavy chain 1; plus strand), LOC126862060 (BRD4-independent group 4 enhancer GRCh37_chr14:102493659-102494858; plus strand). Cytogenetic location: 14q32.31.
Variant type: Deletion.
Coding change: c.8891del on transcript NM_001376.5 (MANE Select); coding-DNA position 8891, one base deleted (A; older notation c.8891delA).
Protein change: p.His2964fs; shifts the reading frame from histidine 2964.
Molecular consequence: frameshift variant.
Genome position (GRCh38, 1-based): chr14:102,027,387, A deleted. VCF-style (leftmost placement, unchanged base first): chr14-102027386-CA-C. GRCh37 (hg19) VCF-style: chr14-102493723-CA-C.
Other names: short protein forms H2964fs.
Identifiers: ClinVar variation 2105140 (VCV002105140.4), dbSNP rs2503804106, ClinGen allele CA2580088431.